The following is an entry in ClinVar:

NM_001734.5(C1S):c.717+4C>T

Gene: C1S (complement C1s; plus strand). Cytogenetic location: 12p13.31.
Variant type: single nucleotide variant.
Coding change: c.717+4C>T on transcript NM_001734.5 (MANE Select); 4 bases into the intron after coding-DNA position 717, C replaced by T.
Molecular consequence: intron variant.
Genome position (GRCh38, 1-based): chr12:7,065,303, C>T. VCF-style: chr12-7065303-C-T. GRCh37 (hg19) VCF-style: chr12-7172607-C-T.
Other names: c.717+4C>T (NM_201442.4); c.216+4C>T (NM_001346850.2).
Identifiers: ClinVar variation 1510399 (VCV001510399.6), dbSNP rs782020836, ClinGen allele CA6423525.

ClinVar aggregate classification (germline): Uncertain significance (1 of 4 stars; one submission).

Allele frequency attached by ClinVar (database versions not stated): gnomAD exomes 0.00001; ExAC 0.00002.
gnomAD v4.1: 19 of 1,607,634 alleles (0.0012%); highest among the groups gnomAD compares: South Asian, 0.0033%; no homozygotes.

Submission:

Labcorp Genetics (formerly Invitae), Labcorp
Classification: Uncertain significance. Last evaluated: 2025-07-23. Review status: criteria provided, single submitter. Criteria: Invitae Variant Classification Sherloc (09022015). Collection method: clinical testing. Allele origin: germline.
Comment: This sequence change falls in intron 6 of the C1S gene. It does not directly change the encoded amino acid sequence of the C1S protein. It affects a nucleotide within the consensus splice site. This variant is present in population databases (rs782020836, gnomAD 0.004%). This variant has not been reported in the literature in individuals affected with C1S-related conditions. ClinVar contains an entry for this variant (Variation ID: 1510399). Variants that disrupt the consensus splice site are a relatively common cause of aberrant splicing (PMID: 17576681, 9536098). Algorithms developed to predict the effect of sequence changes on RNA splicing suggest that this variant may disrupt the consensus splice site. In summary, the available evidence is currently insufficient to determine the role of this variant in disease. Therefore, it has been classified as a Variant of Uncertain Significance.

Literature cited by the submitters: PubMed 17576681; PubMed 9536098.